The following is an entry in ClinVar:

ClinVar aggregate classification (germline): Uncertain significance (1 of 4 stars; one submission).

Conditions:
Duchenne muscular dystrophy (DMD). Also called: Duchenne Muscular Dystrophy (DMD); MUSCULAR DYSTROPHY, PSEUDOHYPERTROPHIC PROGRESSIVE, DUCHENNE TYPE. Identifiers: Orphanet 98896, MedGen C0013264, MONDO:0010679, OMIM 310200.

Submission:

Labcorp Genetics (formerly Invitae), Labcorp
Classification: Uncertain significance for Duchenne muscular dystrophy. Last evaluated: 2021-12-13. Review status: criteria provided, single submitter. Criteria: Invitae Variant Classification Sherloc (09022015). Collection method: clinical testing. Allele origin: germline.
Comment: In summary, the available evidence is currently insufficient to determine the role of this variant in disease. Therefore, it has been classified as a Variant of Uncertain Significance. Experimental studies and prediction algorithms are not available or were not evaluated, and the functional significance of this variant is currently unknown. This variant has not been reported in the literature in individuals affected with DMD-related conditions. This variant results in a copy number gain of the genomic region encompassing exon(s) 30-37 of the DMD gene. While the exact position of this variant cannot be determined from the data, sub-genic copy number gains are generally in tandem (PMID: 25640679). This variant is predicted to be in-frame, and likely preserves the integrity of the reading frame.

Literature cited by the submitters: PubMed 25640679.

NC_000023.10:g.(?_32380885)_(32430050_?)dup

Gene: DMD (dystrophin; minus strand). Cytogenetic location: Xp21.1.
Variant type: Duplication.
Identifiers: ClinVar variation 2424966 (VCV002424966.5).